The following is an entry in ClinVar:

ClinVar aggregate classification (germline): Uncertain significance (1 of 4 stars; one submission).

gnomAD v4.1: 4 of 1,614,134 alleles (0.00025%); highest among the groups gnomAD compares: Non-Finnish European, 0.00034%; no homozygotes.

Submission:

Labcorp Genetics (formerly Invitae), Labcorp
Classification: Uncertain significance. Last evaluated: 2025-09-23. Review status: criteria provided, single submitter. Criteria: Invitae Variant Classification Sherloc (09022015). Collection method: clinical testing. Allele origin: germline.
Comment: This sequence change replaces histidine, which is basic and polar, with aspartic acid, which is acidic and polar, at codon 1732 of the SCN3A protein (p.His1732Asp). This variant is not present in population databases (gnomAD no frequency). This variant has not been reported in the literature in individuals affected with SCN3A-related conditions. Invitae Evidence Modeling of protein sequence and biophysical properties (such as structural, functional, and spatial information, amino acid conservation, physicochemical variation, residue mobility, and thermodynamic stability) indicates that this missense variant is not expected to disrupt SCN3A protein function with a negative predictive value of 95%. In summary, the available evidence is currently insufficient to determine the role of this variant in disease. Therefore, it has been classified as a Variant of Uncertain Significance.

NM_006922.4(SCN3A):c.5194C>G (p.His1732Asp)

Gene: SCN3A (sodium voltage-gated channel alpha subunit 3; minus strand). Cytogenetic location: 2q24.3.
Variant type: single nucleotide variant.
Coding change: c.5194C>G on transcript NM_006922.4 (MANE Select); coding-DNA position 5194, C replaced by G.
Protein change: p.His1732Asp; replaces histidine 1732 with aspartic acid.
Molecular consequence: missense variant.
Genome position (GRCh38, 1-based): chr2:165,090,959, G>C on the plus strand (C>G on the coding strand, the complement: SCN3A is on the minus strand). VCF-style: chr2-165090959-G-C. GRCh37 (hg19) VCF-style: chr2-165947469-G-C.
Other names: c.5047C>G, p.His1683Asp (NM_001081676.2, NM_001081677.2); short protein forms H1683D, H1732D.
Identifiers: ClinVar variation 4745723 (VCV004745723.1).